The following is an entry in ClinVar:

NM_001122955.4(BSCL2):c.1097C>G (p.Thr366Ser)

Genes: HNRNPUL2-BSCL2 (HNRNPUL2-BSCL2 readthrough (NMD candidate); minus strand), BSCL2 (BSCL2 lipid droplet biogenesis associated, seipin; minus strand). Cytogenetic location: 11q12.3.
Variant type: single nucleotide variant.
Coding change: c.1097C>G on transcript NM_001122955.4 (MANE Select); coding-DNA position 1097, C replaced by G.
Protein change: p.Thr366Ser; replaces threonine 366 with serine.
Molecular consequence: missense variant. On other transcripts: non-coding transcript variant (1).
Genome position (GRCh38, 1-based): chr11:62,690,843, G>C on the plus strand (C>G on the coding strand, the complement: BSCL2 is on the minus strand). VCF-style: chr11-62690843-G-C. GRCh37 (hg19) VCF-style: chr11-62458315-G-C.
Other names: c.763C>G, p.Leu255Val (NM_001130702.2); c.1103C>G, p.Thr368Ser (NM_001386027.1); c.1097C>G, p.Thr366Ser (NM_001386028.1); c.905C>G, p.Thr302Ser (NM_032667.6); short protein forms L255V, T366S, T302S, T368S.
Identifiers: ClinVar variation 858508 (VCV000858508.11), dbSNP rs1424325463, ClinGen allele CA380957151.

ClinVar aggregate classification (germline): Uncertain significance. Review status: criteria provided, multiple submitters, no conflicts (2 of 4 stars). 2 submissions from 2 submitters: Uncertain significance (2). Last evaluated 2022-12-24.

Conditions:
Charcot-Marie-Tooth disease type 2. Also called: Charcot-Marie-Tooth type 2. Identifiers: Orphanet 64746, MedGen C0270914, MONDO:0018993.
Hereditary spastic paraplegia 17. Also called: Silver spastic paraplegia syndrome; Spastic Paraplegia 17; Autosomal dominant spastic paraplegia type 17; Silver Syndrome; SPASTIC PARAPLEGIA WITH AMYOTROPHY OF HANDS AND FEET. Identifiers: Orphanet 100998, MedGen C2931276, MONDO:0010043, OMIM 270685.
Severe neurodegenerative syndrome with lipodystrophy. Also called: Encephalopathy, progressive, with or without lipodystrophy; ENCEPHALOPATHY, PROGRESSIVE, WITH LIPODYSTROPHY. Identifiers: Orphanet 363400, MedGen C4014700, MONDO:0014402, OMIM 615924.
Congenital generalized lipodystrophy type 2 (CGL2). Also called: SEIP SYNDROME; BERARDINELLI SYNDROME; BRUNZELL SYNDROME, BSCL2-RELATED; Berardinelli-Seip Congenital Lipodystrophy Type 2. Identifiers: Orphanet 528, Orphanet 696289, MedGen C1720863, MONDO:0010020, OMIM 269700.
Neuronopathy, distal hereditary motor, type 5C. Also called: NEURONOPATHY, DISTAL HEREDITARY MOTOR, HARDING TYPE VC; NEUROPATHY, DISTAL HEREDITARY MOTOR, HARDING TYPE VC; SPINAL MUSCULAR ATROPHY, DISTAL, HARDING TYPE VC; DHMN VC; NEURONOPATHY, DISTAL HEREDITARY MOTOR, AUTOSOMAL DOMINANT 13. Identifiers: MedGen C5436838, MONDO:0030860, OMIM 619112.

gnomAD v4.1: 2 of 1,613,690 alleles (0.00012%); highest among the groups gnomAD compares: Non-Finnish European, 0.00017%; no homozygotes.

Submissions (2):

Labcorp Genetics (formerly Invitae), Labcorp
Classification: Uncertain significance for Charcot-Marie-Tooth disease type 2. Last evaluated: 2022-12-24. Review status: criteria provided, single submitter. Criteria: Invitae Variant Classification Sherloc (09022015). Collection method: clinical testing. Allele origin: germline.
Comment: In summary, the available evidence is currently insufficient to determine the role of this variant in disease. Therefore, it has been classified as a Variant of Uncertain Significance. Advanced modeling of protein sequence and biophysical properties (such as structural, functional, and spatial information, amino acid conservation, physicochemical variation, residue mobility, and thermodynamic stability) performed at Invitae indicates that this missense variant is not expected to disrupt BSCL2 protein function. ClinVar contains an entry for this variant (Variation ID: 858508). This variant has not been reported in the literature in individuals affected with BSCL2-related conditions. This variant is not present in population databases (gnomAD no frequency). This sequence change replaces threonine, which is neutral and polar, with serine, which is neutral and polar, at codon 302 of the BSCL2 protein (p.Thr302Ser).

Fulgent Genetics
Classification: Uncertain significance for Congenital generalized lipodystrophy type 2; Hereditary spastic paraplegia 17; Severe neurodegenerative syndrome with lipodystrophy; Neuronopathy, distal hereditary motor, type 5C. Last evaluated: 2022-02-24. Review status: criteria provided, single submitter. Criteria: ACMG Guidelines, 2015. Collection method: clinical testing. Allele origin: unknown.